The following is an entry in ClinVar:

NM_000478.6(ALPL):c.510C>T (p.Asn170=)

Gene: ALPL (alkaline phosphatase, biomineralization associated; plus strand). Cytogenetic location: 1p36.12.
Variant type: single nucleotide variant.
Coding change: c.510C>T on transcript NM_000478.6 (MANE Select); coding-DNA position 510, C replaced by T.
Protein change: p.Asn170=; no amino-acid change (asparagine 170 retained).
Molecular consequence: synonymous variant.
Genome position (GRCh38, 1-based): chr1:21,564,078, C>T. VCF-style: chr1-21564078-C-T. GRCh37 (hg19) VCF-style: chr1-21890571-C-T.
Other names: c.345C>T, p.Asn115= (NM_001127501.4); c.279C>T, p.Asn93= (NM_001177520.3); c.510C>T, p.Asn170= (NM_001369803.2, NM_001369804.2, NM_001369805.2).
Identifiers: ClinVar variation 1144160 (VCV001144160.10), dbSNP rs373912990, ClinGen allele CA666517.

ClinVar aggregate classification (germline): Likely benign. Review status: criteria provided, multiple submitters, no conflicts (2 of 4 stars). 2 submissions from 2 submitters: Likely benign (2). Last evaluated 2025-08-29.

Conditions:
Hypophosphatasia. Also called: Phosphoethanol-aminuria. Identifiers: Orphanet 436, MedGen C0020630, MeSH D007014, MONDO:0018570.

Allele frequency attached by ClinVar (database versions not stated): gnomAD exomes 0.00001 and 0.00002; TOPMed 0.00001; ExAC 0.00005; ESP Exome Variant Server 0.00008.
gnomAD v4.1: 8 of 1,614,066 alleles (0.0005%); highest among the groups gnomAD compares: Non-Finnish European, 0.00059%; no homozygotes.

Submissions (2):

Genomenon, Inc
Classification: Likely benign for Hypophosphatasia. Last evaluated: 2025-08-29. Review status: criteria provided, single submitter. Criteria: Genomenon Sequence Variant Interpretation Standards. Collection method: curation. Allele origin: germline. Affected: no.
Comment: ALPL c.510C>T is a synonymous variant that retains Asparagine at residue 170. This variant has not been reported in patients affected with hypophosphatasia in the published literature. It is absent or not present at a significant frequency in gnomAD. This synonymous variant is not predicted to impact splicing. In conclusion, we classify ALPL c.510C>T as a likely benign variant.

Labcorp Genetics (formerly Invitae), Labcorp
Classification: Likely benign. Last evaluated: 2023-08-14. Review status: criteria provided, single submitter. Criteria: Invitae Variant Classification Sherloc (09022015). Collection method: clinical testing. Allele origin: germline.